The following is an entry in ClinVar:

NM_024426.6(WT1):c.318G>A (p.Gln106=)

Genes: WT1 (WT1 transcription factor; minus strand), LOC107982234 (WT1/WT1-AS bi-directional promoter region; plus strand). Cytogenetic location: 11p13.
Variant type: single nucleotide variant.
Coding change: c.318G>A on transcript NM_024426.6 (MANE Select); coding-DNA position 318, G replaced by A.
Protein change: p.Gln106=; no amino-acid change (glutamine 106 retained).
Molecular consequence: synonymous variant. On other transcripts: non-coding transcript variant (2).
Genome position (GRCh38, 1-based): chr11:32,435,043, C>T on the plus strand (G>A on the coding strand, the complement: WT1 is on the minus strand). VCF-style: chr11-32435043-C-T. GRCh37 (hg19) VCF-style: chr11-32456589-C-T.
Other names: c.318G>A, p.Gln106= (NM_000378.6, NM_001407044.1, NM_001407045.1 and 6 more transcripts); c.99G>A, p.Gln33= (NM_001429031.1, NM_001429032.1, NM_001429033.1 and 1 more transcripts); c.303G>A, p.Gln101= (NM_024425.2).
Identifiers: ClinVar variation 3070834 (VCV003070834.1), dbSNP rs2494483376, ClinGen allele CA473773857.
Genomic context (GRCh38, chr11:32,435,043, plus strand): 5'-GCCGCCCAACGACCCGTAAGCCGAAGCGCCCGGGGGCGCAAAGTCCAGCACCGGCGCCCA[C>T]TGCGCCGCGCCGCTCACAGGCAGGGCACAGCCGCCGCCGCCACCCAGGGAGGGGACGGCG-3'
Protein context (NP_077744.4, residues 96-116): GCALPVSGAA[Gln106=]WAPVLDFAPP

ClinVar aggregate classification (germline): Likely benign (1 of 4 stars; one submission).

Conditions:
Wilms tumor 1 (WT1). Also called: Wilms tumor, somatic. Identifiers: Orphanet 654, MedGen CN033288, MONDO:0008679, OMIM 194070.

Submission:

All of Us Research Program, National Institutes of Health
Classification: Likely benign for Wilms tumor 1. Last evaluated: 2023-05-04. Review status: criteria provided, single submitter. Criteria: ACMG Guidelines, 2015. Collection method: clinical testing. Allele origin: germline. Inheritance: Autosomal dominant inheritance. Observed: 1 variant allele, 1 heterozygote.
Comment: This study involves interpretation of variants in research participants for the purpose of population health screening. Participant phenotype was not available at the time of variant classification. Additional details can be found in publication PMID: 35346344, PMCID: PMC8962531